The following is an entry in ClinVar:

ClinVar aggregate classification (germline): Likely benign. Review status: criteria provided, multiple submitters, no conflicts (2 of 4 stars). 3 submissions from 3 submitters: Likely benign (3). Last evaluated 2021-04-22.

Conditions:
Familial hypocalciuric hypercalcemia (FHH). Also called: Familial benign hypercalcemia. Identifiers: Orphanet 405, MedGen C1809471, MONDO:0018458.
Autosomal dominant hypocalcemia 1 (HYPOC1). Also called: HYPOCALCEMIA, FAMILIAL. Identifiers: MedGen C3715128, MONDO:0011013, OMIM 601198.
Nephrolithiasis/nephrocalcinosis. Identifiers: MedGen CN580796.

Allele frequency attached by ClinVar (database versions not stated): TOPMed below 0.00001; gnomAD 0.00001.
gnomAD v4.1: 1 of 1,614,026 alleles (0.000062%); highest among the groups gnomAD compares: Non-Finnish European, 0.000085%; no homozygotes.

Submissions (3):

Women's Health and Genetics/Laboratory Corporation of America, LabCorp
Classification: Likely benign. Last evaluated: 2021-04-22. Review status: criteria provided, single submitter. Criteria: LabCorp Variant Classification Summary - May 2015. Collection method: clinical testing. Allele origin: germline.
Comment: Variant summary: CASR c.2295C>T alters a conserved nucleotide resulting in a synonymous change. 4/4 computational tools predict no significant impact on normal splicing. However, these predictions have yet to be confirmed by functional studies. The variant was absent in 250970 control chromosomes. The available data on variant occurrences in the general population are insufficient to allow any conclusion about variant significance. To our knowledge, no occurrence of c.2295C>T in individuals affected with Familial Hypocalciuric Hypercalcemia/Autosomal Dominant Hypocalcemia and no experimental evidence demonstrating its impact on protein function have been reported. No clinical diagnostic laboratories have submitted clinical-significance assessments for this variant to ClinVar after 2014. Based on the evidence outlined above, the variant was classified as likely benign.

Ambry Genetics
Classification: Likely benign for Nephrolithiasis/nephrocalcinosis. Last evaluated: 2020-09-21. Review status: criteria provided, single submitter. Criteria: Ambry Variant Classification Scheme 2023. Collection method: clinical testing. Allele origin: germline.

Labcorp Genetics (formerly Invitae), Labcorp
Classification: Likely benign for Familial hypocalciuric hypercalcemia; Autosomal dominant hypocalcemia 1. Last evaluated: 2020-03-08. Review status: criteria provided, single submitter. Criteria: Invitae Variant Classification Sherloc (09022015). Collection method: clinical testing. Allele origin: germline.

NM_000388.4(CASR):c.2295C>T (p.Cys765=)

Gene: CASR (calcium sensing receptor; plus strand). Cytogenetic location: 3q21.1.
Variant type: single nucleotide variant.
Coding change: c.2295C>T on transcript NM_000388.4 (MANE Select); coding-DNA position 2295, C replaced by T.
Protein change: p.Cys765=; no amino-acid change (cysteine 765 retained).
Molecular consequence: synonymous variant.
Genome position (GRCh38, 1-based): chr3:122,284,249, C>T. VCF-style: chr3-122284249-C-T. GRCh37 (hg19) VCF-style: chr3-122003096-C-T.
Other names: c.2325C>T, p.Cys775= (NM_001178065.2).
Identifiers: ClinVar variation 1095057 (VCV001095057.12), dbSNP rs1232096655, ClinGen allele CA435424843.